The following is an entry in ClinVar:

NM_000173.7(GP1BA):c.663C>A (p.Asn221Lys)

Gene: GP1BA (glycoprotein Ib platelet subunit alpha; plus strand). Cytogenetic location: 17p13.2.
Variant type: single nucleotide variant.
Coding change: c.663C>A on transcript NM_000173.7 (MANE Select); coding-DNA position 663, C replaced by A.
Protein change: p.Asn221Lys; replaces asparagine 221 with lysine.
Molecular consequence: missense variant.
Genome position (GRCh38, 1-based): chr17:4,933,267, C>A. VCF-style: chr17-4933267-C-A. GRCh37 (hg19) VCF-style: chr17-4836562-C-A.
Other names: short protein forms N221K.
Identifiers: ClinVar variation 3902269 (VCV003902269.1).

ClinVar aggregate classification (germline): Uncertain significance. Review status: reviewed by expert panel (3 of 4 stars). 2 submissions from 2 submitters: Uncertain significance (1). 1 of the submissions does not count toward it. Last evaluated 2025-11-06.

Conditions:
Bernard Soulier syndrome (BSS). Also called: GLYCOPROTEIN Ib, PLATELET, DEFICIENCY OF; PLATELET GLYCOPROTEIN Ib DEFICIENCY; VON WILLEBRAND FACTOR RECEPTOR DEFICIENCY; Giant platelet syndrome; Hemorrhagiparous thrombocytic dystrophy; Giant platelet disease. Identifiers: Orphanet 274, MedGen C0005129, MeSH D001606, MONDO:0009276, OMIM 231200.

Submissions (2):

ClinGen Platelet Disorders Variant Curation Expert Panel, ClinGen
Classification: Uncertain significance for Bernard Soulier syndrome. Last evaluated: 2025-11-06. Review status: reviewed by expert panel. Criteria: ClinGen Platelet ACMG Specifications GP1BA V1.0.0. Collection method: curation. Allele origin: germline. Inheritance: Autosomal recessive inheritance.
Comment: The c.663C>A variant in GP1BA is a missense variant predicted to cause substitution of Asparagine by Lysine at amino acid 221 (p.Asn221Lys). At least one patient (Patient 3 in PMID:33217855) with this variant had aggregation absent for ristocetin and present for all other agonists and less than 10% expression of GPIba measured by flow cytometry, which is highly specific for Bernard-Soulier syndrome. Additionally, the patient had excessive mucocutaneous bleeding and macrothrombocytopenia which are consistent with Bernard-Soulier syndrome (PP4). This variant is absent from gnomAD v4.1.0 (PM2_Supporting). The computational predictor REVEL gives a score of 0.259, which is below the ClinGen PD VCEP threshold of <0.290 and predicts no damaging effect on GP1BA function and the SpliceAI score is zero (BP4). Due to conflicting evidence, this variant is classified as a variant of unknown significance for autosomal recessive Bernard-Soulier syndrome based on the ACMG/AMP criteria applied, as specified by the ClinGen PD-VCEP: PP4, PM3_Supporting, PM2_Supporting and BP4 (VCEP specifications version 1).

Women's Health and Genetics/Laboratory Corporation of America, LabCorp
Classification: Uncertain significance. Last evaluated: 2025-05-29. Review status: criteria provided, single submitter. Criteria: LabCorp Variant Classification Summary - May 2015. Collection method: clinical testing. Allele origin: germline. Not counted in ClinVar's aggregate classification.
Comment: Variant summary: GP1BA c.663C>A (p.Asn221Lys) results in a non-conservative amino acid change in the encoded protein sequence. Algorithms developed to predict the effect of missense changes on protein structure and function are either unavailable or do not agree on the potential impact of this missense change. The variant was absent in 249270 control chromosomes. c.663C>A has been observed in at least one homozygous individual affected with Bernard Soulier Syndrome (e.g. Mekchay_2020). These data indicate that the variant may be associated with disease. To our knowledge, no experimental evidence demonstrating an impact on protein function has been reported. The following publication has been ascertained in the context of this evaluation (PMID: 33217855). No submitters have cited clinical-significance assessments for this variant to ClinVar. Based on the evidence outlined above, the variant was classified as VUS-possibly pathogenic.

Literature cited by the submitters: PubMed 33217855 (cited by Women's Health and Genetics/Laboratory Corporation of America, LabCorp).